The following is an entry in ClinVar:

ClinVar aggregate classification (germline): Uncertain significance. Review status: criteria provided, single submitter (1 of 4 stars). 2 submissions from 2 submitters: Uncertain significance (1). 1 of the submissions does not count toward it. Last evaluated 2023-12-21.

Conditions:
ZBTB20-related disorder. Also called: ZBTB20-related condition.

Allele frequency attached by ClinVar (database versions not stated): 1000 Genomes Project 30x 0.00016; ExAC 0.00021; 1000 Genomes Project 0.00040.
gnomAD v4.1: 86 of 1,537,154 alleles (0.0056%); highest among the groups gnomAD compares: East Asian, 0.12%; no homozygotes.

Submissions (2):

Labcorp Genetics (formerly Invitae), Labcorp
Classification: Uncertain significance. Last evaluated: 2023-12-21. Review status: criteria provided, single submitter. Criteria: Invitae Variant Classification Sherloc (09022015). Collection method: clinical testing. Allele origin: germline.
Comment: This sequence change replaces alanine, which is neutral and non-polar, with threonine, which is neutral and polar, at codon 29 of the ZBTB20 protein (p.Ala29Thr). This variant is present in population databases (rs545197496, gnomAD 0.05%), and has an allele count higher than expected for a pathogenic variant. This variant has not been reported in the literature in individuals affected with ZBTB20-related conditions. Advanced modeling of protein sequence and biophysical properties (such as structural, functional, and spatial information, amino acid conservation, physicochemical variation, residue mobility, and thermodynamic stability) has been performed at Invitae for this missense variant, however the output from this modeling did not meet the statistical confidence thresholds required to predict the impact of this variant on ZBTB20 protein function. In summary, the available evidence is currently insufficient to determine the role of this variant in disease. Therefore, it has been classified as a Variant of Uncertain Significance.

PreventionGenetics, part of Exact Sciences
Classification: Likely benign for ZBTB20-related condition. Last evaluated: 2023-12-31. Review status: no assertion criteria provided. Collection method: clinical testing. Allele origin: germline. Not counted in ClinVar's aggregate classification.
Comment: This variant is classified as likely benign based on ACMG/AMP sequence variant interpretation guidelines (Richards et al. 2015 PMID: 25741868, with internal and published modifications).

NM_001348800.3(ZBTB20):c.85G>A (p.Ala29Thr)

Genes: ZBTB20 (zinc finger and BTB domain containing 20; minus strand), ZBTB20-AS1 (ZBTB20 antisense RNA 1; plus strand). Cytogenetic location: 3q13.31.
Variant type: single nucleotide variant.
Coding change: c.85G>A on transcript NM_001348800.3 (MANE Select); coding-DNA position 85, G replaced by A.
Protein change: p.Ala29Thr; replaces alanine 29 with threonine.
Molecular consequence: missense variant. On other transcripts: 5 prime UTR variant (12), non-coding transcript variant (1).
Genome position (GRCh38, 1-based): chr3:114,380,331, C>T on the plus strand (G>A on the coding strand, the complement: ZBTB20 is on the minus strand). VCF-style: chr3-114380331-C-T. GRCh37 (hg19) VCF-style: chr3-114099178-C-T.
Other names: c.85G>A, p.Ala29Thr (NM_001164342.2, NM_001348803.3, NM_001393393.1 and 1 more transcripts); c.-135G>A (NM_001164343.2, NM_001164344.4, NM_001164345.4 and 9 more transcripts); short protein forms A29T.
Identifiers: ClinVar variation 2903366 (VCV002903366.5), dbSNP rs545197496, ClinGen allele CA2551476.